The following is an entry in ClinVar:

ClinVar aggregate classification (germline): Pathogenic (1 of 4 stars; one submission).

Submission:

Labcorp Genetics (formerly Invitae), Labcorp
Classification: Pathogenic. Last evaluated: 2023-12-06. Review status: criteria provided, single submitter. Criteria: Invitae Variant Classification Sherloc (09022015). Collection method: clinical testing. Allele origin: germline.
Comment: This sequence change creates a premature translational stop signal (p.Pro3560Lysfs*2) in the FRAS1 gene. It is expected to result in an absent or disrupted protein product. Loss-of-function variants in FRAS1 are known to be pathogenic (PMID: 12766769, 18671281). This variant is not present in population databases (gnomAD no frequency). This variant has not been reported in the literature in individuals affected with FRAS1-related conditions. For these reasons, this variant has been classified as Pathogenic.

Literature cited by the submitters: PubMed 12766769; PubMed 18671281.

NM_025074.7(FRAS1):c.10677_10680del (p.Pro3560fs)

Gene: FRAS1 (Fraser extracellular matrix complex subunit 1; plus strand). Cytogenetic location: 4q21.21.
Variant type: Deletion.
Coding change: c.10677_10680del on transcript NM_025074.7 (MANE Select); coding-DNA positions 10677 to 10680, 4 bases deleted (CCCA; older notation c.10677_10680delCCCA).
Protein change: p.Pro3560fs; shifts the reading frame from proline 3560.
Molecular consequence: frameshift variant.
Genome position (GRCh38, 1-based): chr4:78,522,677-78,522,680, CCCA deleted. VCF-style (leftmost placement, unchanged base first): chr4-78522676-TCCCA-T. GRCh37 (hg19) VCF-style: chr4-79443830-TCCCA-T.
Other names: short protein forms P3560fs.
Identifiers: ClinVar variation 2701300 (VCV002701300.3), dbSNP rs2475834136, ClinGen allele CA2697546791.